The following is an entry in ClinVar:

ClinVar aggregate classification (germline): Uncertain significance (1 of 4 stars; one submission).

Allele frequency attached by ClinVar (database versions not stated): gnomAD exomes below 0.00001.
gnomAD v4.1: 2 of 1,604,366 alleles (0.00012%); highest among the groups gnomAD compares: Admixed American, 0.0033%; no homozygotes.

Submission:

Labcorp Genetics (formerly Invitae), Labcorp
Classification: Uncertain significance. Last evaluated: 2022-07-11. Review status: criteria provided, single submitter. Criteria: Invitae Variant Classification Sherloc (09022015). Collection method: clinical testing. Allele origin: germline.
Comment: This sequence change falls in intron 3 of the RAB3GAP1 gene. It does not directly change the encoded amino acid sequence of the RAB3GAP1 protein. It affects a nucleotide within the consensus splice site. This variant is present in population databases (no rsID available, gnomAD 0.003%). This variant has not been reported in the literature in individuals affected with RAB3GAP1-related conditions. Variants that disrupt the consensus splice site are a relatively common cause of aberrant splicing (PMID: 17576681, 9536098). Algorithms developed to predict the effect of sequence changes on RNA splicing suggest that this variant is not likely to affect RNA splicing. In summary, the available evidence is currently insufficient to determine the role of this variant in disease. Therefore, it has been classified as a Variant of Uncertain Significance.

Literature cited by the submitters: PubMed 17576681; PubMed 9536098.

NM_012233.3(RAB3GAP1):c.150+3C>G

Gene: RAB3GAP1 (RAB3 GTPase activating protein catalytic subunit 1; plus strand). Cytogenetic location: 2q21.3.
Variant type: single nucleotide variant.
Coding change: c.150+3C>G on transcript NM_012233.3 (MANE Select); 3 bases into the intron after coding-DNA position 150, C replaced by G.
Molecular consequence: intron variant.
Genome position (GRCh38, 1-based): chr2:135,058,089, C>G. VCF-style: chr2-135058089-C-G. GRCh37 (hg19) VCF-style: chr2-135815659-C-G.
Other names: c.150+3C>G (NM_001172435.2).
Identifiers: ClinVar variation 2152585 (VCV002152585.1), dbSNP rs1028276025, ClinGen allele CA536398936.